The following is an entry in ClinVar:

NM_016341.4(PLCE1):c.940G>A (p.Ala314Thr)

Gene: PLCE1 (phospholipase C epsilon 1; plus strand). Cytogenetic location: 10q23.33.
Variant type: single nucleotide variant.
Coding change: c.940G>A on transcript NM_016341.4 (MANE Select); coding-DNA position 940, G replaced by A.
Protein change: p.Ala314Thr; replaces alanine 314 with threonine.
Molecular consequence: missense variant.
Genome position (GRCh38, 1-based): chr10:94,031,986, G>A. VCF-style: chr10-94031986-G-A. GRCh37 (hg19) VCF-style: chr10-95791743-G-A.
Other names: c.940G>A, p.Ala314Thr (NM_001288989.2); short protein forms A314T.
Identifiers: ClinVar variation 2420038 (VCV002420038.4), dbSNP rs201003341, ClinGen allele CA5612206.
Genomic context (GRCh38, chr10:94,031,986, plus strand): 5'-AAGACCTTTTTGAGCCATTTTGAGGACTTCCCTGATAATTGTGATGATGTAGAAGAAGAC[G>A]CTTTTAAAAGCAAAAAGGAGCGATCCACTTTGTTAGTCAGGAGATTCTGTAAAAATGACA-3'
Protein context (NP_057425.3, residues 304-324): PDNCDDVEED[Ala314Thr]FKSKKERSTL

ClinVar aggregate classification (germline): Uncertain significance. Review status: criteria provided, multiple submitters, no conflicts (2 of 4 stars). 2 submissions from 2 submitters: Uncertain significance (2). Last evaluated 2024-07-29.

Conditions:
Nephrotic syndrome, type 3 (NPHS3). Also called: NEPHROTIC SYNDROME, EARLY-ONSET, TYPE 3. Identifiers: Orphanet 656, MedGen C1853124, MONDO:0012546, OMIM 610725.

Allele frequency attached by ClinVar (database versions not stated): gnomAD exomes 0.00003; ExAC 0.00011; ESP Exome Variant Server 0.00025; gnomAD 0.00025; TOPMed 0.00034; 1000 Genomes Project 0.00100; 1000 Genomes Project 30x 0.00125.
gnomAD v4.1: 84 of 1,613,748 alleles (0.0052%); highest among the groups gnomAD compares: African/African-American, 0.059%; no homozygotes.

Submissions (2):

Labcorp Genetics (formerly Invitae), Labcorp
Classification: Uncertain significance. Last evaluated: 2024-07-29. Review status: criteria provided, single submitter. Criteria: Invitae Variant Classification Sherloc (09022015). Collection method: clinical testing. Allele origin: germline.
Comment: This sequence change replaces alanine, which is neutral and non-polar, with threonine, which is neutral and polar, at codon 314 of the PLCE1 protein (p.Ala314Thr). This variant is present in population databases (rs201003341, gnomAD 0.08%). This variant has not been reported in the literature in individuals affected with PLCE1-related conditions. ClinVar contains an entry for this variant (Variation ID: 2420038). An algorithm developed to predict the effect of missense changes on protein structure and function (PolyPhen-2) suggests that this variant¬†is likely to be tolerated. In summary, the available evidence is currently insufficient to determine the role of this variant in disease. Therefore, it has been classified as a Variant of Uncertain Significance.

Fulgent Genetics
Classification: Uncertain significance for Nephrotic syndrome, type 3. Last evaluated: 2024-05-20. Review status: criteria provided, single submitter. Criteria: ACMG Guidelines, 2015. Collection method: clinical testing. Allele origin: germline.